The following is an entry in ClinVar:

ClinVar aggregate classification (germline): Uncertain significance (1 of 4 stars; one submission).

Conditions:
Developmental and epileptic encephalopathy, 21 (DEE21). Also called: Early infantile epileptic encephalopathy 21. Identifiers: Orphanet 442835, MedGen C4014430, MONDO:0014360, OMIM 615833.

Allele frequency attached by ClinVar (database versions not stated): gnomAD exomes below 0.00001.
gnomAD v4.1: 1 of 1,614,146 alleles (0.000062%); highest among the groups gnomAD compares: Non-Finnish European, 0.000085%; no homozygotes.

Submission:

Labcorp Genetics (formerly Invitae), Labcorp
Classification: Uncertain significance for Developmental and epileptic encephalopathy, 21. Last evaluated: 2021-03-25. Review status: criteria provided, single submitter. Criteria: Invitae Variant Classification Sherloc (09022015). Collection method: clinical testing. Allele origin: germline.
Comment: In summary, the available evidence is currently insufficient to determine the role of this variant in disease. Therefore, it has been classified as a Variant of Uncertain Significance. Algorithms developed to predict the effect of missense changes on protein structure and function are either unavailable or do not agree on the potential impact of this missense change (SIFT: "Not Available"; PolyPhen-2: "Probably Damaging"; Align-GVGD: "Not Available"). This variant has not been reported in the literature in individuals with NECAP1-related conditions. This variant is not present in population databases (ExAC no frequency). This sequence change replaces proline with serine at codon 73 of the NECAP1 protein (p.Pro73Ser). The proline residue is highly conserved and there is a moderate physicochemical difference between proline and serine.

NM_015509.4(NECAP1):c.217C>T (p.Pro73Ser)

Gene: NECAP1 (NECAP endocytosis associated 1; plus strand). Cytogenetic location: 12p13.31.
Variant type: single nucleotide variant.
Coding change: c.217C>T on transcript NM_015509.4 (MANE Select); coding-DNA position 217, C replaced by T.
Protein change: p.Pro73Ser; replaces proline 73 with serine.
Molecular consequence: missense variant. On other transcripts: non-coding transcript variant (1).
Genome position (GRCh38, 1-based): chr12:8,090,215, C>T. VCF-style: chr12-8090215-C-T. GRCh37 (hg19) VCF-style: chr12-8242811-C-T.
Other names: short protein forms P73S.
Identifiers: ClinVar variation 1505667 (VCV001505667.6), dbSNP rs2120476836, ClinGen allele CA383797363.